The following is an entry in ClinVar:

NM_000702.4(ATP1A2):c.2272G>C (p.Gly758Arg)

Gene: ATP1A2 (ATPase Na+/K+ transporting subunit alpha 2; plus strand). Cytogenetic location: 1q23.2.
Variant type: single nucleotide variant.
Coding change: c.2272G>C on transcript NM_000702.4 (MANE Select); coding-DNA position 2272, G replaced by C.
Protein change: p.Gly758Arg; replaces glycine 758 with arginine.
Molecular consequence: missense variant.
Genome position (GRCh38, 1-based): chr1:160,135,590, G>C. VCF-style: chr1-160135590-G-C. GRCh37 (hg19) VCF-style: chr1-160105380-G-C.
Other names: short protein forms G758R.
Identifiers: ClinVar variation 4057128 (VCV004057128.1).

ClinVar aggregate classification (germline): Uncertain significance (1 of 4 stars; one submission).

Submission:

GeneDx
Classification: Uncertain significance. Last evaluated: 2025-01-09. Review status: criteria provided, single submitter. Criteria: GeneDx Variant Classification Process June 2021. Collection method: clinical testing. Allele origin: germline. Affected: yes.
Comment: Not observed at significant frequency in large population cohorts (gnomAD); In silico analysis supports that this missense variant has a deleterious effect on protein structure/function; Has not been previously published as pathogenic or benign to our knowledge; This variant is associated with the following publications: (PMID: 18184292)